The following is an entry in ClinVar:

ClinVar aggregate classification (germline): Likely benign. Review status: criteria provided, multiple submitters, no conflicts (2 of 4 stars). 2 submissions from 2 submitters: Likely benign (2). Last evaluated 2024-11-26.

Allele frequency attached by ClinVar (database versions not stated): TOPMed 0.00029; ESP Exome Variant Server 0.00033; gnomAD 0.00033; gnomAD exomes 0.00049; ExAC 0.00083.
gnomAD v4.1: 772 of 1,612,910 alleles (0.048%); highest among the groups gnomAD compares: Middle Eastern, 0.6%; 9 homozygotes.

Submissions (2):

Blueprint Genetics
Classification: Likely benign. Last evaluated: 2024-11-26. Review status: criteria provided, single submitter. Criteria: ACMG Guidelines, 2015. Collection method: clinical testing. Allele origin: germline.

CeGaT Center for Human Genetics Tuebingen
Classification: Likely benign. Last evaluated: 2024-05-01. Review status: criteria provided, single submitter. Criteria: CeGaT Center For Human Genetics Tuebingen Variant Classification Criteria Version 2. Collection method: clinical testing. Allele origin: germline. Affected: yes. Observed: 6 variant alleles.
Comment: CUX2: BP4, BP7

NM_015267.4(CUX2):c.354C>T (p.Pro118=)

Gene: CUX2 (cut like homeobox 2; plus strand). Cytogenetic location: 12q24.11.
Variant type: single nucleotide variant.
Coding change: c.354C>T on transcript NM_015267.4 (MANE Select); coding-DNA position 354, C replaced by T.
Protein change: p.Pro118=; no amino-acid change (proline 118 retained).
Molecular consequence: synonymous variant.
Genome position (GRCh38, 1-based): chr12:111,291,470, C>T. VCF-style: chr12-111291470-C-T. GRCh37 (hg19) VCF-style: chr12-111729274-C-T.
Other names: c.168C>T, p.Pro56= (NM_001370598.1).
Identifiers: ClinVar variation 2643292 (VCV002643292.25), dbSNP rs367783595, ClinGen allele CA6788326.